The following is an entry in ClinVar:

NM_020702.5(MYORG):c.1064T>G (p.Met355Arg)

Gene: MYORG (myogenesis regulating glycosidase; minus strand). Cytogenetic location: 9p13.3.
Variant type: single nucleotide variant.
Coding change: c.1064T>G on transcript NM_020702.5 (MANE Select); coding-DNA position 1064, T replaced by G.
Protein change: p.Met355Arg; replaces methionine 355 with arginine.
Molecular consequence: missense variant.
Genome position (GRCh38, 1-based): chr9:34,371,880, A>C on the plus strand (T>G on the coding strand, the complement: MYORG is on the minus strand). VCF-style: chr9-34371880-A-C. GRCh37 (hg19) VCF-style: chr9-34371878-A-C.
Other names: c.1064T>G (NM_020702.4); short protein forms M355R.
Identifiers: ClinVar variation 1681307 (VCV001681307.20), dbSNP rs115412086, ClinGen allele CA5033013.

ClinVar aggregate classification (germline): Benign/Likely benign. Review status: criteria provided, multiple submitters, no conflicts (2 of 4 stars). 3 submissions from 3 submitters: Benign (1); Likely benign (1). 1 of the submissions does not count toward it. Last evaluated 2025-10-05.

Conditions:
MYORG-related disorder. Also called: MYORG-related condition.

Allele frequency attached by ClinVar (database versions not stated): gnomAD exomes 0.00034 and 0.00091; ExAC 0.00122; 1000 Genomes Project 30x 0.00375; gnomAD 0.00376 and 0.00403; ESP Exome Variant Server 0.00386; TOPMed 0.00407; 1000 Genomes Project 0.00459.

Submissions (3):

Labcorp Genetics (formerly Invitae), Labcorp
Classification: Benign. Last evaluated: 2025-10-05. Review status: criteria provided, single submitter. Criteria: Invitae Variant Classification Sherloc (09022015). Collection method: clinical testing. Allele origin: germline.

CeGaT Center for Human Genetics Tuebingen
Classification: Likely benign. Last evaluated: 2025-04-01. Review status: criteria provided, single submitter. Criteria: CeGaT Center For Human Genetics Tuebingen Variant Classification Criteria Version 2. Collection method: clinical testing. Allele origin: germline. Affected: yes. Observed: 1 variant allele.
Comment: MYORG: BP4, BS1

PreventionGenetics, part of Exact Sciences
Classification: Benign for MYORG-related condition. Last evaluated: 2019-11-25. Review status: no assertion criteria provided. Collection method: clinical testing. Allele origin: germline. Not counted in ClinVar's aggregate classification.
Comment: This variant is classified as benign based on ACMG/AMP sequence variant interpretation guidelines (Richards et al. 2015 PMID: 25741868, with internal and published modifications).